The following is an entry in ClinVar:

NM_000075.4(CDK4):c.633G>A (p.Lys211=)

Genes: TSPAN31 (tetraspanin 31; plus strand), CDK4 (cyclin dependent kinase 4; minus strand). Cytogenetic location: 12q14.1.
Variant type: single nucleotide variant.
Coding change: c.633G>A on transcript NM_000075.4 (MANE Select); coding-DNA position 633, G replaced by A.
Protein change: p.Lys211=; no amino-acid change (lysine 211 retained).
Molecular consequence: synonymous variant. On other transcripts: 3 prime UTR variant (3).
Genome position (GRCh38, 1-based): chr12:57,749,504, C>T on the plus strand (G>A on the coding strand, the complement: CDK4 is on the minus strand). VCF-style: chr12-57749504-C-T. GRCh37 (hg19) VCF-style: chr12-58143287-C-T.
Other names: c.*2214C>T (NM_001330168.2, NM_001330169.2, NM_005981.5); c.633G>A (NM_000075.3).
Identifiers: ClinVar variation 3605196 (VCV003605196.3).
Genomic context (GRCh38, chr12:57,749,504, plus strand): 5'-GGTCACTTACTCAAAGATTTTGCCCAACTGGTCGGCTTCAGAGTTTCCACAGAAGAGAGG[C>T]CTAAGGTGAGAAGGGATATAAGGTAGCAGTCATTTTCAAAGATATCTTAGTTGAATGGTT-3'
Protein context (NP_000066.1, residues 201-221): GCIFAEMFRR[Lys211=]PLFCGNSEAD

ClinVar aggregate classification (germline): Conflicting classifications of pathogenicity. Review status: criteria provided, conflicting classifications (1 of 4 stars). 2 submissions from 2 submitters: Uncertain significance (1); Likely benign (1). Last evaluated 2025-11-10.

Conditions:
Hereditary cancer-predisposing syndrome. Also called: Tumor predisposition; Hereditary neoplastic syndrome; Neoplastic Syndromes, Hereditary; Hereditary Cancer Syndrome. Identifiers: Orphanet 140162, MedGen C0027672, MeSH D009386, MONDO:0015356.
Familial melanoma. Also called: Hereditary melanoma; Hereditary cutaneous melanoma. Identifiers: Orphanet 618, MedGen C1512419, MONDO:0018961.

Submissions (2):

Labcorp Genetics (formerly Invitae), Labcorp
Classification: Uncertain significance for Familial melanoma. Last evaluated: 2025-11-10. Review status: criteria provided, single submitter. Criteria: Invitae Variant Classification Sherloc (09022015). Collection method: clinical testing. Allele origin: germline.
Comment: This sequence change affects codon 211 of the CDK4 mRNA. It is a 'silent' change, meaning that it does not change the encoded amino acid sequence of the CDK4 protein. It affects a nucleotide within the consensus splice site. This variant is not present in population databases (gnomAD no frequency). This variant has not been reported in the literature in individuals affected with CDK4-related conditions. ClinVar contains an entry for this variant (Variation ID: 3605196). Algorithms developed to predict the effect of sequence changes on RNA splicing suggest that this variant is not likely to affect RNA splicing. In summary, the available evidence is currently insufficient to determine the role of this variant in disease. Therefore, it has been classified as a Variant of Uncertain Significance.

Ambry Genetics
Classification: Likely benign for Hereditary cancer-predisposing syndrome. Last evaluated: 2025-08-31. Review status: criteria provided, single submitter. Criteria: Ambry Variant Classification Scheme 2023. Collection method: clinical testing. Allele origin: germline.